The following is an entry in ClinVar:

ClinVar aggregate classification (germline): Pathogenic (1 of 4 stars; one submission).

Conditions:
Xanthinuria type II. Also called: Xanthine dehydrogenase and aldehyde oxidase combined deficiency of; XDH and AOX dual deficiency. Identifiers: Orphanet 3467, Orphanet 93602, MedGen C1863688, MONDO:0011346, OMIM 603592.

Submission:

Labcorp Genetics (formerly Invitae), Labcorp
Classification: Pathogenic for Xanthinuria type II. Last evaluated: 2024-12-16. Review status: criteria provided, single submitter. Criteria: Invitae Variant Classification Sherloc (09022015). Collection method: clinical testing. Allele origin: germline.
Comment: This sequence change creates a premature translational stop signal (p.Glu200*) in the XDH gene. It is expected to result in an absent or disrupted protein product. Loss-of-function variants in XDH are known to be pathogenic (PMID: 9153281). This variant is not present in population databases (gnomAD no frequency). This variant has not been reported in the literature in individuals affected with XDH-related conditions. ClinVar contains an entry for this variant (Variation ID: 1451493). For these reasons, this variant has been classified as Pathogenic.

Literature cited by the submitters: PubMed 9153281.

NM_000379.4(XDH):c.598G>T (p.Glu200Ter)

Gene: XDH (xanthine dehydrogenase; minus strand). Cytogenetic location: 2p23.1.
Variant type: single nucleotide variant.
Coding change: c.598G>T on transcript NM_000379.4 (MANE Select); coding-DNA position 598, G replaced by T.
Protein change: p.Glu200Ter; replaces glutamic acid 200 with a stop codon.
Molecular consequence: nonsense.
Genome position (GRCh38, 1-based): chr2:31,387,864, C>A on the plus strand (G>T on the coding strand, the complement: XDH is on the minus strand). VCF-style: chr2-31387864-C-A. GRCh37 (hg19) VCF-style: chr2-31610730-C-A.
Other names: short protein forms E200*.
Identifiers: ClinVar variation 1451493 (VCV001451493.6), dbSNP rs2147994449, ClinGen allele CA346497611.